The following is an entry in ClinVar:

ClinVar aggregate classification (germline): Likely benign. Review status: criteria provided, multiple submitters, no conflicts (2 of 4 stars). 2 submissions from 2 submitters: Likely benign (2). Last evaluated 2026-09-22.

Conditions:
Neurofibromatosis, type 1 (NF1). Also called: Neurofibromatosis, type I; NEUROFIBROMATOSIS, TYPE I, SOMATIC; VON RECKLINGHAUSEN DISEASE; Peripheral type neurofibromatosis. Identifiers: Orphanet 636, MedGen C0027831, MONDO:0018975, OMIM 162200. Disease mechanism: loss of function.

Allele frequency attached by ClinVar (database versions not stated): ExAC 0.00001; 1000 Genomes Project 30x 0.00016; gnomAD 0.00001; 1000 Genomes Project 0.00020.
gnomAD v4.1: 1 of 1,611,404 alleles (0.000062%); highest among the groups gnomAD compares: East Asian, 0.0022%; no homozygotes.

Submissions (2):

Myriad Genetics, Inc.
Classification: Likely benign for Neurofibromatosis, type 1. Last evaluated: 2026-09-22. Review status: criteria provided, single submitter. Criteria: Myriad Autosomal Dominant, Autosomal Recessive and X-Linked Classification Criteria (2023). Collection method: clinical testing. Allele origin: unknown.
Comment: This variant is considered likely benign. This variant is intronic and is not expected to impact mRNA splicing.

Labcorp Genetics (formerly Invitae), Labcorp
Classification: Likely benign for Neurofibromatosis, type 1. Last evaluated: 2022-08-21. Review status: criteria provided, single submitter. Criteria: Invitae Variant Classification Sherloc (09022015). Collection method: clinical testing. Allele origin: germline.

NM_001042492.3(NF1):c.3315-19C>T

Gene: NF1 (neurofibromin 1; plus strand). Cytogenetic location: 17q11.2.
Variant type: single nucleotide variant.
Coding change: c.3315-19C>T on transcript NM_001042492.3 (MANE Select); 19 bases into the intron before coding-DNA position 3315, C replaced by T.
Molecular consequence: intron variant.
Genome position (GRCh38, 1-based): chr17:31,232,681, C>T. VCF-style: chr17-31232681-C-T. GRCh37 (hg19) VCF-style: chr17-29559699-C-T.
Other names: c.3315-19C>T (NM_000267.4).
Identifiers: ClinVar variation 2195679 (VCV002195679.5), dbSNP rs576287047, ClinGen allele CA8486150.
Genomic context (GRCh38, chr17:31,232,681, plus strand): 5'-TGATTGTTTTGGAATGTCTGGTTAGCTTTCTAGTTGATACGGCCTTCACTATGTAAAGGT[C>T]AGTCTTTTTATTTCTCAGATACTTCACATTATTTATGAACCTTTTGAATGACTGCAGTGA-3'